The following is an entry in ClinVar:

ClinVar aggregate classification (germline): Uncertain significance (1 of 4 stars; one submission).

Conditions:
Baller-Gerold syndrome (BGS). Also called: CRANIOSYNOSTOSIS WITH RADIAL DEFECTS. Identifiers: Orphanet 1225, MedGen C0265308, MONDO:0009039, OMIM 218600.

Submission:

Labcorp Genetics (formerly Invitae), Labcorp
Classification: Uncertain significance for Baller-Gerold syndrome. Last evaluated: 2022-08-04. Review status: criteria provided, single submitter. Criteria: Invitae Variant Classification Sherloc (09022015). Collection method: clinical testing. Allele origin: germline.
Comment: In summary, the available evidence is currently insufficient to determine the role of this variant in disease. Therefore, it has been classified as a Variant of Uncertain Significance. Experimental studies and prediction algorithms are not available or were not evaluated, and the effect of this variant on mRNA splicing is currently unknown. This variant has not been reported in the literature in individuals affected with RECQL4-related conditions. This variant is not present in population databases (gnomAD no frequency). This sequence change falls in intron 4 of the RECQL4 gene. It does not directly change the encoded amino acid sequence of the RECQL4 protein.

NM_004260.4(RECQL4):c.354+19G>C

Gene: RECQL4 (RecQ like helicase 4; minus strand). Cytogenetic location: 8q24.3.
Variant type: single nucleotide variant.
Coding change: c.354+19G>C on transcript NM_004260.4 (MANE Select); 19 bases into the intron after coding-DNA position 354, G replaced by C.
Molecular consequence: intron variant.
Genome position (GRCh38, 1-based): chr8:144,517,031, C>G on the plus strand (G>C on the coding strand, the complement: RECQL4 is on the minus strand). VCF-style: chr8-144517031-C-G. GRCh37 (hg19) VCF-style: chr8-145742415-C-G.
Identifiers: ClinVar variation 1940369 (VCV001940369.5), dbSNP rs2130734100, ClinGen allele CA2580078773.
Genomic context (GRCh38, chr8:144,517,031, plus strand): 5'-GGAAAAAATGACAAGAGGGCGACCCGGACCGGAAGCAGCTGTGGACCTAGCGTGGACTCA[C>G]TGCCTGCCCACTCCTCACCTGCAGGGTGCCTTTCAGATTGGCCTTGAGCCGCTGCCCGTA-3'